The following is an entry in ClinVar:

NM_006158.5(NEFL):c.1324TAC[1] (p.Tyr443del)

Gene: NEFL (neurofilament light chain; minus strand). Cytogenetic location: 8p21.2.
Variant type: Microsatellite.
Coding change: c.1324TAC[1] on transcript NM_006158.5 (MANE Select); one copy of the 3-base unit TAC starting at c.1324; the reference has two copies in a row; one copy, 3 bases deleted.
Protein change: p.Tyr443del; deletes tyrosine 443.
Molecular consequence: inframe deletion.
Genome position (GRCh38, 1-based): chr8:24,953,636-24,953,638, GTA deleted on the plus strand (TAC on the coding strand, the reverse complement: NEFL is on the minus strand); deleting any 3 consecutive bases within chr8:24,953,636-24,953,642 gives the same sequence; the position shown is the placement nearest the transcript's 3' end. VCF-style (leftmost placement, unchanged base first): chr8-24953635-TGTA-T. GRCh37 (hg19) VCF-style: chr8-24811149-TGTA-T.
Other names: c.1327_1329delTAC (NM_006158.4); short protein forms Y443del.
Identifiers: ClinVar variation 447759 (VCV000447759.5), dbSNP rs1554497354, ClinGen allele CA658657750.

ClinVar aggregate classification (germline): Uncertain significance. Review status: criteria provided, multiple submitters, no conflicts (2 of 4 stars). 2 submissions from 2 submitters: Uncertain significance (2). Last evaluated 2025-07-04.

Conditions:
Charcot-Marie-Tooth disease type 2E (CMT2E). Also called: CHARCOT-MARIE-TOOTH NEUROPATHY, TYPE 2E; CHARCOT-MARIE-TOOTH DISEASE, AXONAL, TYPE 2E. Identifiers: Orphanet 99939, MedGen C1843225, MONDO:0011894, OMIM 607684.

Submissions (2):

Labcorp Genetics (formerly Invitae), Labcorp
Classification: Uncertain significance for Charcot-Marie-Tooth disease type 2E. Last evaluated: 2025-07-04. Review status: criteria provided, single submitter. Criteria: Invitae Variant Classification Sherloc (09022015). Collection method: clinical testing. Allele origin: germline.
Comment: This variant, c.1327_1329del, results in the deletion of 1 amino acid(s) of the NEFL protein (p.Tyr443del), but otherwise preserves the integrity of the reading frame. This variant is not present in population databases (gnomAD no frequency). This variant has not been reported in the literature in individuals affected with NEFL-related conditions. This variant has been observed in at least one individual who was not affected with NEFL-related conditions (internal data). Experimental studies and prediction algorithms are not available or were not evaluated, and the functional significance of this variant is currently unknown. In summary, the available evidence is currently insufficient to determine the role of this variant in disease. Therefore, it has been classified as a Variant of Uncertain Significance.

Athena Diagnostics
Classification: Uncertain significance. Last evaluated: 2016-12-02. Review status: criteria provided, single submitter. Criteria: Athena Diagnostics Criteria. Collection method: clinical testing. Allele origin: germline.